The following is an entry in ClinVar:

NM_133510.4(RAD51B):c.316-14_316-3del

Gene: RAD51B (RAD51 paralog B; plus strand). Cytogenetic location: 14q24.1.
Variant type: Deletion.
Coding change: c.316-14_316-3del on transcript NM_133510.4 (MANE Select); 14 bases into the intron before coding-DNA position 316 through 3 bases into the intron before coding-DNA position 316, 12 bases deleted (TTTTTTTTTTTT).
Molecular consequence: intron variant.
Genome position (GRCh38, 1-based): chr14:67,864,989-67,865,000, TTTTTTTTTTTT deleted; deleting any 12 consecutive bases within chr14:67,864,962-67,865,000 gives the same sequence; the c. name uses the placement nearest the transcript's 3' end. VCF-style (leftmost placement, unchanged base first): chr14-67864961-CTTTTTTTTTTTT-C. GRCh37 (hg19) VCF-style: chr14-68331678-CTTTTTTTTTTTT-C.
Other names: c.316-14_316-3del (NM_001321818.2, NM_001321809.2, NM_001321821.2 and 6 more transcripts); c.-42-14_-42-3del (NM_001321817.2); c.202-14_202-3del (NM_001321815.1).
Identifiers: ClinVar variation 3389292 (VCV003389292.14).

ClinVar aggregate classification (germline): Likely benign (1 of 4 stars; one submission).

Submission:

CeGaT Center for Human Genetics Tuebingen
Classification: Likely benign. Last evaluated: 2025-05-01. Review status: criteria provided, single submitter. Criteria: CeGaT Center For Human Genetics Tuebingen Variant Classification Criteria Version 2. Collection method: clinical testing. Allele origin: germline. Affected: yes. Observed: 3 variant alleles.
Comment: RAD51B: BS2